The following is an entry in ClinVar:

ClinVar aggregate classification (germline): Uncertain significance (1 of 4 stars; one submission).

Conditions:
Inborn genetic diseases. Identifiers: MedGen C0950123, MeSH D030342.

Allele frequency attached by ClinVar (database versions not stated): gnomAD 0.00001; TOPMed 0.00004.
gnomAD v4.1: 2 of 1,613,296 alleles (0.00012%); highest among the groups gnomAD compares: African/African-American, 0.0027%; no homozygotes.

Submission:

Ambry Genetics
Classification: Uncertain significance for Inborn genetic diseases. Last evaluated: 2023-09-21. Review status: criteria provided, single submitter. Criteria: Ambry Variant Classification Scheme 2023. Collection method: clinical testing. Allele origin: germline.
Comment: The c.2597T>G (p.I866S) alteration is located in exon 16 (coding exon 15) of the ASCC3 gene. This alteration results from a T to G substitution at nucleotide position 2597, causing the isoleucine (I) at amino acid position 866 to be replaced by a serine (S). This variant was not reported in population-based cohorts in the Genome Aggregation Database (gnomAD). This amino acid position is highly conserved in available vertebrate species. This alteration is predicted to be deleterious by in silico analysis. Based on insufficient or conflicting evidence, the clinical significance of this alteration remains unclear.

NM_006828.4(ASCC3):c.2597T>G (p.Ile866Ser)

Gene: ASCC3 (activating signal cointegrator 1 complex subunit 3; minus strand). Cytogenetic location: 6q16.3.
Variant type: single nucleotide variant.
Coding change: c.2597T>G on transcript NM_006828.4 (MANE Select); coding-DNA position 2597, T replaced by G.
Protein change: p.Ile866Ser; replaces isoleucine 866 with serine.
Molecular consequence: missense variant.
Genome position (GRCh38, 1-based): chr6:100,661,912, A>C on the plus strand (T>G on the coding strand, the complement: ASCC3 is on the minus strand). VCF-style: chr6-100661912-A-C. GRCh37 (hg19) VCF-style: chr6-101109788-A-C.
Other names: short protein forms I866S.
Identifiers: ClinVar variation 2597296 (VCV002597296.2), dbSNP rs1329989605, ClinGen allele CA365132622.
Genomic context (GRCh38, chr6:100,661,912, plus strand): 5'-ATTGGGTTTCGTTGAGTGAGCAAAGTGAGGTAATGGCTGAGTTTATCATGCGTTGTTATA[A>C]TTATTCCTTCCCCAAATTTGTCAAATTGTGGTCGTCCAGCTCGACCAAATATCTGCATGA-3'
Protein context (NP_006819.2, residues 856-876): PQFDKFGEGI[Ile866Ser]ITTHDKLSHY